The following is an entry in ClinVar:

ClinVar aggregate classification (germline): Likely pathogenic (0 of 4 stars; one submission).

Conditions:
CUBN-related disorder. Also called: CUBN-related condition.

gnomAD v4.1: 2 of 1,614,120 alleles (0.00012%); highest among the groups gnomAD compares: Non-Finnish European, 0.00017%; no homozygotes.

Submission:

PreventionGenetics, part of Exact Sciences
Classification: Likely pathogenic for CUBN-related condition. Last evaluated: 2024-05-01. Review status: no assertion criteria provided. Collection method: clinical testing. Allele origin: germline.
Comment: The CUBN c.2272C>T variant is predicted to result in premature protein termination (p.Gln758*). To our knowledge, this variant has not been reported in the literature or in a large population database, indicating this variant is rare. Nonsense variants in CUBN are expected to be pathogenic. This variant is interpreted as likely pathogenic.

NM_001081.4(CUBN):c.2272C>T (p.Gln758Ter)

Gene: CUBN (cubilin; minus strand). Cytogenetic location: 10p13.
Variant type: single nucleotide variant.
Coding change: c.2272C>T on transcript NM_001081.4 (MANE Select); coding-DNA position 2272, C replaced by T.
Protein change: p.Gln758Ter; replaces glutamine 758 with a stop codon.
Molecular consequence: nonsense.
Genome position (GRCh38, 1-based): chr10:17,084,300, G>A on the plus strand (C>T on the coding strand, the complement: CUBN is on the minus strand). VCF-style: chr10-17084300-G-A. GRCh37 (hg19) VCF-style: chr10-17126299-G-A.
Other names: short protein forms Q758*.
Identifiers: ClinVar variation 3356226 (VCV003356226.1).